The following is an entry in ClinVar:

NM_001131016.2(CIZ1):c.394C>G (p.Leu132Val)

Gene: CIZ1 (CDKN1A interacting zinc finger protein 1; minus strand). Cytogenetic location: 9q34.11.
Variant type: single nucleotide variant.
Coding change: c.394C>G on transcript NM_001131016.2 (MANE Select); coding-DNA position 394, C replaced by G.
Protein change: p.Leu132Val; replaces leucine 132 with valine.
Molecular consequence: missense variant.
Genome position (GRCh38, 1-based): chr9:128,185,741, G>C on the plus strand (C>G on the coding strand, the complement: CIZ1 is on the minus strand). VCF-style: chr9-128185741-G-C. GRCh37 (hg19) VCF-style: chr9-130948020-G-C.
Other names: c.394C>G, p.Leu132Val (NM_001131015.2, NM_001131017.2, NM_012127.3); c.322C>G, p.Leu108Val (NM_001131018.2); c.484C>G, p.Leu162Val (NM_001257975.2); c.91C>G, p.Leu31Val (NM_001257976.2); short protein forms L132V, L162V, L31V, L108V.
Identifiers: ClinVar variation 1972729 (VCV001972729.5), dbSNP rs2538844112, ClinGen allele CA375002101.

ClinVar aggregate classification (germline): Uncertain significance (1 of 4 stars; one submission).

Conditions:
Dystonic disorder. Also called: Dystonia. Identifiers: MedGen C0013421, MONDO:0003441, HP:0001332.

Submission:

Labcorp Genetics (formerly Invitae), Labcorp
Classification: Uncertain significance for Dystonic disorder. Last evaluated: 2023-07-10. Review status: criteria provided, single submitter. Criteria: Invitae Variant Classification Sherloc (09022015). Collection method: clinical testing. Allele origin: germline.
Comment: In summary, the available evidence is currently insufficient to determine the role of this variant in disease. Therefore, it has been classified as a Variant of Uncertain Significance. An algorithm developed to predict the effect of missense changes on protein structure and function (PolyPhen-2) suggests that this variant is likely to be tolerated. ClinVar contains an entry for this variant (Variation ID: 1972729). This variant has not been reported in the literature in individuals affected with CIZ1-related conditions. This variant is not present in population databases (gnomAD no frequency). This sequence change replaces leucine, which is neutral and non-polar, with valine, which is neutral and non-polar, at codon 132 of the CIZ1 protein (p.Leu132Val).